The following is an entry in ClinVar:

NM_006904.7(PRKDC):c.5919+5G>A

Gene: PRKDC (protein kinase, DNA-activated, catalytic subunit; minus strand). Cytogenetic location: 8q11.21.
Variant type: single nucleotide variant.
Coding change: c.5919+5G>A on transcript NM_006904.7 (MANE Select); 5 bases into the intron after coding-DNA position 5919, G replaced by A.
Molecular consequence: intron variant.
Genome position (GRCh38, 1-based): chr8:47,862,368, C>T on the plus strand (G>A on the coding strand, the complement: PRKDC is on the minus strand). VCF-style: chr8-47862368-C-T. GRCh37 (hg19) VCF-style: chr8-48774929-C-T.
Other names: c.5919+5G>A (NM_001081640.2).
Identifiers: ClinVar variation 1516038 (VCV001516038.6), dbSNP rs1240315959, ClinGen allele CA581930036.

ClinVar aggregate classification (germline): Uncertain significance. Review status: criteria provided, multiple submitters, no conflicts (2 of 4 stars). 2 submissions from 2 submitters: Uncertain significance (2). Last evaluated 2023-02-03.

Conditions:
Severe combined immunodeficiency due to DNA-PKcs deficiency. Also called: Immunodeficiency 26 with or without neurologic abnormalities; IMMUNODEFICIENCY 26 WITH NEUROLOGIC ABNORMALITIES. Identifiers: Orphanet 317425, MedGen C4014833, MONDO:0014423, OMIM 615966.

Allele frequency attached by ClinVar (database versions not stated): gnomAD exomes below 0.00001.
gnomAD v4.1: 6 of 1,612,770 alleles (0.00037%); highest among the groups gnomAD compares: Non-Finnish European, 0.00042%; no homozygotes.

Submissions (2):

Labcorp Genetics (formerly Invitae), Labcorp
Classification: Uncertain significance for Severe combined immunodeficiency due to DNA-PKcs deficiency. Last evaluated: 2023-02-03. Review status: criteria provided, single submitter. Criteria: Invitae Variant Classification Sherloc (09022015). Collection method: clinical testing. Allele origin: germline.
Comment: This variant is present in population databases (no rsID available, gnomAD 0.0009%). This sequence change falls in intron 43 of the PRKDC gene. It does not directly change the encoded amino acid sequence of the PRKDC protein. It affects a nucleotide within the consensus splice site. This variant has not been reported in the literature in individuals affected with PRKDC-related conditions. In summary, the available evidence is currently insufficient to determine the role of this variant in disease. Therefore, it has been classified as a Variant of Uncertain Significance. Variants that disrupt the consensus splice site are a relatively common cause of aberrant splicing (PMID: 17576681, 9536098). Algorithms developed to predict the effect of sequence changes on RNA splicing suggest that this variant is not likely to affect RNA splicing. ClinVar contains an entry for this variant (Variation ID: 1516038).

Blueprint Genetics
Classification: Uncertain significance. Last evaluated: 2021-12-23. Review status: criteria provided, single submitter. Criteria: ACMG Guidelines, 2015. Collection method: clinical testing. Allele origin: germline.

Literature cited by the submitters: PubMed 17576681 (cited by Labcorp Genetics (formerly Invitae), Labcorp); PubMed 9536098 (cited by Labcorp Genetics (formerly Invitae), Labcorp).